The following is an entry in ClinVar:

NM_017534.6(MYH2):c.3041A>G (p.Asp1014Gly)

Genes: MYH2 (myosin heavy chain 2; minus strand), MYHAS (myosin heavy chain gene cluster antisense RNA; plus strand). Cytogenetic location: 17p13.1.
Variant type: single nucleotide variant.
Coding change: c.3041A>G on transcript NM_017534.6 (MANE Select); coding-DNA position 3041, A replaced by G.
Protein change: p.Asp1014Gly; replaces aspartic acid 1014 with glycine.
Molecular consequence: missense variant.
Genome position (GRCh38, 1-based): chr17:10,529,640, T>C on the plus strand (A>G on the coding strand, the complement: MYH2 is on the minus strand). VCF-style: chr17-10529640-T-C. GRCh37 (hg19) VCF-style: chr17-10432957-T-C.
Other names: c.3041A>G, p.Asp1014Gly (NM_001100112.2); short protein forms D1014G.
Identifiers: ClinVar variation 2098919 (VCV002098919.4), dbSNP rs2508432037, ClinGen allele CA398140200.

ClinVar aggregate classification (germline): Uncertain significance (1 of 4 stars; one submission).

Conditions:
Myopathy, proximal, and ophthalmoplegia (CMYO6). Also called: CONGENITAL MYOPATHY 6 WITH OPHTHALMOPLEGIA; INCLUSION BODY MYOPATHY 3, AUTOSOMAL DOMINANT; MYOPATHY WITH CONGENITAL JOINT CONTRACTURES, OPHTHALMOPLEGIA, AND RIMMED VACUOLES. Identifiers: Orphanet 363677, Orphanet 79091, MedGen C1854106, MONDO:0011577, OMIM 605637.

Submission:

Labcorp Genetics (formerly Invitae), Labcorp
Classification: Uncertain significance for Myopathy, proximal, and ophthalmoplegia. Last evaluated: 2022-10-17. Review status: criteria provided, single submitter. Criteria: Invitae Variant Classification Sherloc (09022015). Collection method: clinical testing. Allele origin: germline.
Comment: In summary, the available evidence is currently insufficient to determine the role of this variant in disease. Therefore, it has been classified as a Variant of Uncertain Significance. Advanced modeling of protein sequence and biophysical properties (such as structural, functional, and spatial information, amino acid conservation, physicochemical variation, residue mobility, and thermodynamic stability) performed at Invitae indicates that this missense variant is not expected to disrupt MYH2 protein function. This variant has not been reported in the literature in individuals affected with MYH2-related conditions. This variant is not present in population databases (gnomAD no frequency). This sequence change replaces aspartic acid, which is acidic and polar, with glycine, which is neutral and non-polar, at codon 1014 of the MYH2 protein (p.Asp1014Gly).